The following is an entry in ClinVar:

NM_001267550.2(TTN):c.72782G>A (p.Arg24261Gln)

Genes: TTN (titin; minus strand), TTN-AS1 (TTN antisense RNA 1; plus strand). Cytogenetic location: 2q31.2.
Variant type: single nucleotide variant.
Coding change: c.72782G>A on transcript NM_001267550.2 (MANE Select); coding-DNA position 72782, G replaced by A.
Protein change: p.Arg24261Gln; replaces arginine 24261 with glutamine.
Molecular consequence: missense variant.
Genome position (GRCh38, 1-based): chr2:178,573,350, C>T on the plus strand (G>A on the coding strand, the complement: TTN is on the minus strand). VCF-style: chr2-178573350-C-T. GRCh37 (hg19) VCF-style: chr2-179438077-C-T.
Other names: p.R22620Q:CGG>CAG; c.67859G>A, p.Arg22620Gln (NM_001256850.1); c.65078G>A, p.Arg21693Gln (NM_133378.4); c.45587G>A, p.Arg15196Gln (NM_003319.4); c.45962G>A, p.Arg15321Gln (NM_133432.3); c.46163G>A, p.Arg15388Gln (NM_133437.4); short protein forms R24261Q, R21693Q, R22620Q, R15196Q, R15388Q, R15321Q.
Identifiers: ClinVar variation 47317 (VCV000047317.58), dbSNP rs142874389, ClinGen allele CA140664.
Genomic context (GRCh38, chr2:178,573,350, plus strand): 5'-CTTAAATCAGTAAGAGTTTTTTTGTTGCATTTAATCCAGCGTTGGCCAGCTTTATCACGC[C>T]GTTCCACAATATAATTGATGATTTCACTTCCACCATCAGAATCAGGATGTCCCCAGCAGA-3'
Protein context (NP_001254479.2, residues 24251-24271): GSEIINYIVE[Arg24261Gln]RDKAGQRWIK

ClinVar aggregate classification (germline): Conflicting classifications of pathogenicity. Review status: criteria provided, conflicting classifications (1 of 4 stars). 21 submissions from 17 submitters: Uncertain significance (3); Benign (7); Likely benign (8). 3 of the submissions do not count toward it. Last evaluated 2026-02-03.

Conditions:
Cardiovascular phenotype. Identifiers: MedGen CN230736.
Dilated cardiomyopathy 1G (CMD1G). Identifiers: Orphanet 154, MedGen C1858763, MONDO:0011400, OMIM 604145.
Autosomal recessive limb-girdle muscular dystrophy type 2J (LGMDR10). Also called: Limb-girdle muscular dystrophy, type 2J; MUSCULAR DYSTROPHY, LIMB-GIRDLE, AUTOSOMAL RECESSIVE 10. Identifiers: Orphanet 140922, MedGen C1837342, MONDO:0012127, OMIM 608807.
Cardiomyopathy (CMYO). Also called: Cardiomyopathies. Identifiers: Orphanet 167848, MedGen C0878544, MONDO:0004994, HP:0001638. Inheritance: Various modes of inheritance.
Early-onset myopathy with fatal cardiomyopathy (CMYO5). Also called: Salih Myopathy; CONGENITAL MYOPATHY 5 WITH CARDIOMYOPATHY. Identifiers: Orphanet 289377, MedGen C2673677, MONDO:0012714, OMIM 611705. Disease mechanism: loss of function.
Myopathy, myofibrillar, 9, with early respiratory failure (MFM9). Also called: Hereditary myopathy with early respiratory failure; Myopathy, distal, with early respiratory failure, autosomal dominant; EDSTROM MYOPATHY; MYOPATHY, PROXIMAL, WITH EARLY RESPIRATORY MUSCLE INVOLVEMENT. Identifiers: Orphanet 178464, Orphanet 34521, MedGen C1863599, MONDO:0011362, OMIM 603689.
Tibial muscular dystrophy (TMD). Also called: Udd Distal Myopathy – Tibial Muscular Dystrophy; Tibial muscular dystrophy, tardive; UDD MYOPATHY. Identifiers: Orphanet 609, MedGen C1838244, MONDO:0010870, OMIM 600334.

Allele frequency attached by ClinVar (database versions not stated): gnomAD exomes 0.00021 and 0.00057; ExAC 0.00061; ESP Exome Variant Server 0.00115; 1000 Genomes Project 30x 0.00125; gnomAD 0.00135 and 0.00137; TOPMed 0.00136; 1000 Genomes Project 0.00140.
gnomAD v4.1: 500 of 1,535,896 alleles (0.033%); highest among the groups gnomAD compares: African/African-American, 0.46%; 1 homozygote.

Submissions (21):

Labcorp Genetics (formerly Invitae), Labcorp
Classification: Benign for Dilated cardiomyopathy 1G; Autosomal recessive limb-girdle muscular dystrophy type 2J. Last evaluated: 2026-02-03. Review status: criteria provided, single submitter. Criteria: Invitae Variant Classification Sherloc (09022015). Collection method: clinical testing. Allele origin: germline.

Mayo Clinic Laboratories, Mayo Clinic
Classification: Likely benign. Last evaluated: 2025-10-02. Review status: criteria provided, single submitter. Criteria: ACMG Guidelines, 2015. Collection method: clinical testing. Allele origin: germline. Observed: 3 variant alleles.
Comment: BS1

Molecular Diagnostic Laboratory for Inherited Cardiovascular Disease, Montreal Heart Institute
Classification: Benign. Last evaluated: 2025-04-09. Review status: criteria provided, single submitter. Criteria: ACMG Guidelines, 2015. Collection method: clinical testing. Allele origin: germline. Affected: no.

Blueprint Genetics
Classification: Likely benign. Last evaluated: 2024-11-05. Review status: criteria provided, single submitter. Criteria: ACMG Guidelines, 2015. Collection method: clinical testing. Allele origin: germline.

CeGaT Center for Human Genetics Tuebingen
Classification: Likely benign. Last evaluated: 2024-04-01. Review status: criteria provided, single submitter. Criteria: CeGaT Center For Human Genetics Tuebingen Variant Classification Criteria Version 2. Collection method: clinical testing. Allele origin: germline. Affected: yes. Observed: 1 variant allele.
Comment: TTN: BS2

ARUP Laboratories, Molecular Genetics and Genomics, ARUP Laboratories
Classification: Likely benign. Last evaluated: 2022-09-20. Review status: criteria provided, single submitter. Criteria: ARUP Molecular Germline Variant Investigation Process 2021. Collection method: clinical testing. Allele origin: germline.

CHEO Genetics Diagnostic Laboratory, Children's Hospital of Eastern Ontario
Classification: Benign for Cardiomyopathy. Last evaluated: 2021-09-21. Review status: criteria provided, single submitter. Criteria: ACMG Guidelines, 2015. Collection method: clinical testing. Allele origin: germline.

GeneDx
Classification: Likely benign. Last evaluated: 2021-05-19. Review status: criteria provided, single submitter. Criteria: GeneDx Variant Classification Process June 2021. Collection method: clinical testing. Allele origin: germline. Affected: yes.

Women's Health and Genetics/Laboratory Corporation of America, LabCorp
Classification: Benign. Last evaluated: 2020-08-24. Review status: criteria provided, single submitter. Criteria: LabCorp Variant Classification Summary - May 2015. Collection method: clinical testing. Allele origin: germline.
Comment: Variant summary: TTN c.65078G>A (p.Arg21693Gln) results in a conservative amino acid change located in the A-band region of the encoded protein sequence. Three of five in-silico tools predict a damaging effect of the variant on protein function. The variant allele was found at a frequency of 0.00057 in 188210 control chromosomes, predominantly at a frequency of 0.0051 within the African or African-American subpopulation in the gnomAD database, including 1 homozygote. The observed variant frequency within African or African-American control individuals in the gnomAD database is approximately 13-fold of the estimated maximal expected allele frequency for a pathogenic variant in TTN causing Dilated Cardiomyopathy phenotype (0.00039), strongly suggesting that the variant is a benign polymorphism found primarily in populations of African or African-American origin. To our knowledge, no occurrence of c.65078G>A in individuals affected with Dilated Cardiomyopathy and no experimental evidence demonstrating its impact on protein function have been reported. Five clinical diagnostic laboratories have submitted clinical-significance assessments for this variant to ClinVar after 2014 without evidence for independent evaluation, and all of them classified the variant as benign (3x) or likely benign (2x). Based on the evidence outlined above, the variant was classified as benign.

Ambry Genetics
Classification: Likely benign for Cardiovascular phenotype. Last evaluated: 2019-03-19. Review status: criteria provided, single submitter. Criteria: Ambry Variant Classification Scheme 2023. Collection method: clinical testing. Allele origin: germline.

Illumina Laboratory Services, Illumina
Classification: Uncertain significance for Autosomal recessive limb-girdle muscular dystrophy type 2J. Last evaluated: 2018-01-12. Review status: criteria provided, single submitter. Criteria: ICSL Variant Classification Criteria 13 December 2019. Collection method: clinical testing. Allele origin: germline.

Illumina Laboratory Services, Illumina
Classification: Uncertain significance for Early-onset myopathy with fatal cardiomyopathy. Last evaluated: 2018-01-12. Review status: criteria provided, single submitter. Criteria: ICSL Variant Classification Criteria 13 December 2019. Collection method: clinical testing. Allele origin: germline.

Illumina Laboratory Services, Illumina
Classification: Uncertain significance for Dilated cardiomyopathy 1G. Last evaluated: 2018-01-12. Review status: criteria provided, single submitter. Criteria: ICSL Variant Classification Criteria 13 December 2019. Collection method: clinical testing. Allele origin: germline.

Illumina Laboratory Services, Illumina
Classification: Benign for Tibial muscular dystrophy. Last evaluated: 2018-01-12. Review status: criteria provided, single submitter. Criteria: ICSL Variant Classification Criteria 13 December 2019. Collection method: clinical testing. Allele origin: germline.
Comment: This variant was observed in the ICSL laboratory as part of a predisposition screen in an ostensibly healthy population. It had not been previously curated by ICSL or reported in the Human Gene Mutation Database (HGMD: prior to June 1st, 2018), and was therefore a candidate for classification through an automated scoring system. Utilizing variant allele frequency, disease prevalence and penetrance estimates, and inheritance mode, an automated score was calculated to assess if this variant is too frequent to cause the disease. Based on the score and internal cut-off values, a variant classified as benign is not then subjected to further curation. The score for this variant resulted in a classification of benign for this disease.

Illumina Laboratory Services, Illumina
Classification: Benign for Myopathy, myofibrillar, 9, with early respiratory failure. Last evaluated: 2018-01-12. Review status: criteria provided, single submitter. Criteria: ICSL Variant Classification Criteria 13 December 2019. Collection method: clinical testing. Allele origin: germline.
Comment: the same text as in the submission from Illumina Laboratory Services, Illumina above.

Eurofins Ntd Llc (ga)
Classification: Likely benign. Last evaluated: 2016-09-30. Review status: criteria provided, single submitter. Criteria: EGL Classification Definitions 2015. Collection method: clinical testing. Allele origin: germline. Observed: 3 variant alleles, 3 heterozygotes.

Laboratory for Molecular Medicine, Mass General Brigham Personalized Medicine
Classification: Benign. Last evaluated: 2015-07-29. Review status: criteria provided, single submitter. Criteria: LMM Criteria. Collection method: clinical testing. Allele origin: germline. Observed: 4 variant alleles.
Comment: p.Arg21693Gln in exon 275 of TTN: This variant is not expected to have clinical significance because it has been identified in 0.5% (44/9628) of African chromos omes by the Exome Aggregation Consortium (ExAC; dbSNP rs142874389).

Biesecker Lab/Clinical Genomics Section, National Institutes of Health
Classification: Likely benign. Last evaluated: 2013-06-24. Review status: criteria provided, single submitter. Criteria: Ng et al. (Circ Cardiovasc Genet. 2013). Collection method: research. Allele origin: unknown. Observed: 2 variant alleles. Study: ClinSeq.
Comment: The study set was not selected for affection status in relation to any cancer. Pathogenicity categories were based on literature curation. See Pubmed ID:23861362 for details.

Medical sequencing

Clinical Genetics DNA and cytogenetics Diagnostics Lab, Erasmus MC, Erasmus Medical Center
Classification: Likely benign. Review status: no assertion criteria provided. Collection method: clinical testing. Allele origin: germline. Affected: yes. Study: VKGL Data-share Consensus. Not counted in ClinVar's aggregate classification.

Clinical Genetics, Academic Medical Center
Classification: Benign. Review status: no assertion criteria provided. Collection method: clinical testing. Allele origin: germline. Affected: yes. Study: VKGL Data-share Consensus. Not counted in ClinVar's aggregate classification.

Diagnostic Laboratory, Department of Genetics, University Medical Center Groningen
Classification: Likely benign. Review status: no assertion criteria provided. Collection method: clinical testing. Allele origin: germline. Affected: yes. Study: VKGL Data-share Consensus. Not counted in ClinVar's aggregate classification.